The following is an entry in ClinVar:

NM_007294.4(BRCA1):c.4951T>G (p.Ser1651Ala)

Gene: BRCA1 (BRCA1 DNA repair associated; minus strand). Cytogenetic location: 17q21.31.
Variant type: single nucleotide variant.
Coding change: c.4951T>G on transcript NM_007294.4 (MANE Select); coding-DNA position 4951, T replaced by G.
Protein change: p.Ser1651Ala; replaces serine 1651 with alanine.
Molecular consequence: missense variant. On other transcripts: non-coding transcript variant (1).
Genome position (GRCh38, 1-based): chr17:43,070,963, A>C on the plus strand (T>G on the coding strand, the complement: BRCA1 is on the minus strand). VCF-style: chr17-43070963-A-C. GRCh37 (hg19) VCF-style: chr17-41222980-A-C.
Other names: c.4741T>G, p.Ser1581Ala (NM_001407885.1, NM_001407886.1, NM_001407887.1 and 5 more transcripts); c.4738T>G, p.Ser1580Ala (NM_001407894.1, NM_001407895.1, NM_001407896.1 and 12 more transcripts); c.4735T>G, p.Ser1579Ala (NM_001407915.1, NM_001407916.1, NM_001407917.1 and 1 more transcripts); c.4828T>G, p.Ser1610Ala (NM_001407919.1, NM_001407937.1, NM_001407938.1 and 6 more transcripts); c.4687T>G, p.Ser1563Ala (NM_001407920.1, NM_001407921.1, NM_001407922.1 and 4 more transcripts); c.4684T>G, p.Ser1562Ala (NM_001407933.1, NM_001407927.1, NM_001407928.1 and 4 more transcripts); c.4681T>G, p.Ser1561Ala (NM_001407934.1, NM_001407935.1, NM_001407936.1); c.4825T>G, p.Ser1609Ala (NM_001407939.1, NM_001407940.1, NM_001407677.1 and 11 more transcripts); and 70 more; short protein forms S547A, S1672A, S1604A, S1651A, S1563A, S1603A, S1609A, S1625A.
Identifiers: ClinVar variation 865719 (VCV000865719.3), dbSNP rs879254042, ClinGen allele CA10591619.

Conditions:
Breast-ovarian cancer, familial, susceptibility to, 1 (BROVCA1). Also called: BRCA1 Hereditary Breast and Ovarian Cancer; OVARIAN CANCER, SUSCEPTIBILITY TO. Identifiers: Orphanet 145, MedGen C2676676, MONDO:0011450, OMIM 604370. Disease mechanism: loss of function.

Submission:

Brotman Baty Institute, University of Washington
No classification provided (evidence only). Condition: Breast-ovarian cancer, familial 1. Review status: no classification provided. Collection method: in vitro. Allele origin: not applicable. Functional consequence: functionally_normal.
ClinVar note: "not provided" was previously submitted as the classification for the variant. However, the classification appeared to be based only on an observation of functional data so it was converted to no classification on 2025-07-30.